The following is an entry in ClinVar:

ClinVar aggregate classification (germline): Benign/Likely benign. Review status: criteria provided, multiple submitters, no conflicts (2 of 4 stars). 6 submissions from 5 submitters: Benign (4); Likely benign (1). 1 of the submissions does not count toward it. Last evaluated 2024-11-27.

Conditions:
Polydactyly of a biphalangeal thumb. Also called: Preaxial hand polydactyly; Thumb polydactyly; Polydactyly, preaxial I; FROMONT ANOMALY. Identifiers: Orphanet 93339, MedGen C1395852, MONDO:0008269, OMIM 174400, HP:0001177.
Polydactyly, postaxial, type A8. Identifiers: MedGen C4748277, MONDO:0029130, OMIM 618123.
GLI1-related disorder. Also called: GLI1-related condition.

Allele frequency attached by ClinVar (database versions not stated): 1000 Genomes Project 30x 0.36368; 1000 Genomes Project 0.36402; TOPMed 0.45566; gnomAD 0.47602 and 0.47688; gnomAD exomes 0.49736; ESP Exome Variant Server 0.49815; ExAC 0.50266.
gnomAD v4.1: 928,690 of 1,611,922 alleles (58%); highest among the groups gnomAD compares: Middle Eastern, 65%; 278,661 homozygotes.

Submissions (6):

Blueprint Genetics
Classification: Likely benign. Last evaluated: 2024-11-27. Review status: criteria provided, single submitter. Criteria: ACMG Guidelines, 2015. Collection method: clinical testing. Allele origin: germline.

Genome-Nilou Lab
Classification: Benign for Polydactyly, postaxial, type A8. Last evaluated: 2021-08-10. Review status: criteria provided, single submitter. Criteria: ACMG Guidelines, 2015. Collection method: clinical testing. Allele origin: germline. Affected: no.

Genome-Nilou Lab
Classification: Benign for Polydactyly of a biphalangeal thumb. Last evaluated: 2021-08-10. Review status: criteria provided, single submitter. Criteria: ACMG Guidelines, 2015. Collection method: clinical testing. Allele origin: germline. Affected: no.

GeneDx
Classification: Benign. Last evaluated: 2020-02-18. Review status: criteria provided, single submitter. Criteria: GeneDx Variant Classification Process June 2021. Collection method: clinical testing. Allele origin: germline. Affected: yes.
Comment: This variant is associated with the following publications: (PMID: 21085059)

Breakthrough Genomics
Classification: Benign. Review status: criteria provided, single submitter. Criteria: ACMG Guidelines, 2015. Collection method: not provided. Allele origin: germline. Inheritance: Autosomal recessive inheritance. Affected: yes.

PreventionGenetics, part of Exact Sciences
Classification: Benign for GLI1-related condition. Last evaluated: 2019-08-30. Review status: no assertion criteria provided. Collection method: clinical testing. Allele origin: germline. Not counted in ClinVar's aggregate classification.
Comment: This variant is classified as benign based on ACMG/AMP sequence variant interpretation guidelines (Richards et al. 2015 PMID: 25741868, with internal and published modifications).

NM_005269.3(GLI1):c.2798G>A (p.Gly933Asp)

Gene: GLI1 (GLI family zinc finger 1; plus strand). Cytogenetic location: 12q13.3.
Variant type: single nucleotide variant.
Coding change: c.2798G>A on transcript NM_005269.3 (MANE Select); coding-DNA position 2798, G replaced by A.
Protein change: p.Gly933Asp; replaces glycine 933 with aspartic acid.
Molecular consequence: missense variant.
Genome position (GRCh38, 1-based): chr12:57,471,538, G>A. VCF-style: chr12-57471538-G-A. GRCh37 (hg19) VCF-style: chr12-57865321-G-A.
Other names: c.2414G>A, p.Gly805Asp (NM_001160045.2); c.2675G>A, p.Gly892Asp (NM_001167609.2); short protein forms G805D, G892D, G933D.
Identifiers: ClinVar variation 1240928 (VCV001240928.7), dbSNP rs2228224, ClinGen allele CA6649048.